The following is an entry in ClinVar:

ClinVar aggregate classification (germline): Uncertain significance (1 of 4 stars; one submission).

Submission:

Labcorp Genetics (formerly Invitae), Labcorp
Classification: Uncertain significance. Last evaluated: 2022-01-12. Review status: criteria provided, single submitter. Criteria: Invitae Variant Classification Sherloc (09022015). Collection method: clinical testing. Allele origin: germline.
Comment: This sequence change replaces arginine, which is basic and polar, with isoleucine, which is neutral and non-polar, at codon 106 of the ATR protein (p.Arg106Ile). In summary, the available evidence is currently insufficient to determine the role of this variant in disease. Therefore, it has been classified as a Variant of Uncertain Significance. Algorithms developed to predict the effect of missense changes on protein structure and function are either unavailable or do not agree on the potential impact of this missense change (SIFT: "Deleterious"; PolyPhen-2: "Probably Damaging"; Align-GVGD: "Class C0"). This variant has not been reported in the literature in individuals affected with ATR-related conditions. This variant is not present in population databases (gnomAD no frequency).

NM_001184.4(ATR):c.317G>T (p.Arg106Ile)

Gene: ATR (ATR checkpoint kinase; minus strand). Cytogenetic location: 3q23.
Variant type: single nucleotide variant.
Coding change: c.317G>T on transcript NM_001184.4 (MANE Select); coding-DNA position 317, G replaced by T.
Protein change: p.Arg106Ile; replaces arginine 106 with isoleucine.
Molecular consequence: missense variant.
Genome position (GRCh38, 1-based): chr3:142,563,085, C>A on the plus strand (G>T on the coding strand, the complement: ATR is on the minus strand). VCF-style: chr3-142563085-C-A. GRCh37 (hg19) VCF-style: chr3-142281927-C-A.
Other names: c.317G>T, p.Arg106Ile (NM_001354579.2); short protein forms R106I.
Identifiers: ClinVar variation 1500947 (VCV001500947.8), dbSNP rs1325456587, ClinGen allele CA354827454.